The following is an entry in ClinVar:

NM_002386.4(MC1R):c.819C>T (p.Cys273=)

Gene: MC1R (melanocortin 1 receptor; plus strand). Cytogenetic location: 16q24.3.
Variant type: single nucleotide variant.
Coding change: c.819C>T on transcript NM_002386.4 (MANE Select); coding-DNA position 819, C replaced by T.
Protein change: p.Cys273=; no amino-acid change (cysteine 273 retained).
Molecular consequence: synonymous variant.
Genome position (GRCh38, 1-based): chr16:89,920,077, C>T. VCF-style: chr16-89920077-C-T. GRCh37 (hg19) VCF-style: chr16-89986485-C-T.
Identifiers: ClinVar variation 321441 (VCV000321441.41), dbSNP rs375813196, ClinGen allele CA8255765.

ClinVar aggregate classification (germline): Benign/Likely benign. Review status: criteria provided, multiple submitters, no conflicts (2 of 4 stars). 5 submissions from 5 submitters: Benign (1); Likely benign (4). Last evaluated 2026-02-01.

Conditions:
Melanoma, cutaneous malignant, susceptibility to, 5. Also called: Cutaneous malignant melanoma 5. Identifiers: Orphanet 618, MedGen C2751295, MONDO:0013133, OMIM 613099.

Allele frequency attached by ClinVar (database versions not stated): gnomAD exomes 0.00039; ExAC 0.00053; ESP Exome Variant Server 0.00102; gnomAD 0.00137 and 0.00148; TOPMed 0.00138; 1000 Genomes Project 0.00240; 1000 Genomes Project 30x 0.00281.
gnomAD v4.1: 431 of 1,613,830 alleles (0.027%); highest among the groups gnomAD compares: African/African-American, 0.51%; no homozygotes.

Submissions (5):

CeGaT Center for Human Genetics Tuebingen
Classification: Likely benign. Last evaluated: 2026-02-01. Review status: criteria provided, single submitter. Criteria: CeGaT Center For Human Genetics Tuebingen Variant Classification Criteria Version 2. Collection method: clinical testing. Allele origin: germline. Affected: yes. Observed: 2 variant alleles.
Comment: MC1R: BP4, BP7

Labcorp Genetics (formerly Invitae), Labcorp
Classification: Benign for Melanoma, cutaneous malignant, susceptibility to, 5. Last evaluated: 2025-09-22. Review status: criteria provided, single submitter. Criteria: Invitae Variant Classification Sherloc (09022015). Collection method: clinical testing. Allele origin: germline.

Ambry Genetics
Classification: Likely benign. Last evaluated: 2024-10-02. Review status: criteria provided, single submitter. Criteria: Ambry Variant Classification Scheme 2023. Collection method: clinical testing. Allele origin: germline.

Blueprint Genetics
Classification: Likely benign. Last evaluated: 2024-06-24. Review status: criteria provided, single submitter. Criteria: ACMG Guidelines, 2015. Collection method: clinical testing. Allele origin: germline.

Illumina Laboratory Services, Illumina
Classification: Likely benign for Melanoma, cutaneous malignant, susceptibility to, 5. Last evaluated: 2017-04-28. Review status: criteria provided, single submitter. Criteria: ICSL Variant Classification Criteria 13 December 2019. Collection method: clinical testing. Allele origin: germline.
Comment: This variant was observed as part of a predisposition screen in an ostensibly healthy population. A literature search was performed for the gene, cDNA change, and amino acid change (where applicable). Publications were found based on this search. The evidence from the literature, in combination with allele frequency data from public databases where available, was sufficient to determine this variant is unlikely to cause disease. Therefore, this variant is classified as likely benign.

Literature cited by the submitters: PubMed 18402696 (cited by Illumina Laboratory Services, Illumina); PubMed 23522749 (cited by Illumina Laboratory Services, Illumina); PubMed 10733465 (cited by Illumina Laboratory Services, Illumina); PubMed 22079958 (cited by Illumina Laboratory Services, Illumina).